The following is an entry in ClinVar:

ClinVar aggregate classification (germline): Benign/Likely benign. Review status: criteria provided, multiple submitters, no conflicts (2 of 4 stars). 5 submissions from 5 submitters: Benign (1); Likely benign (2). 2 of the submissions do not count toward it. Last evaluated 2026-08-01.

Allele frequency attached by ClinVar (database versions not stated): gnomAD 0.00073 and 0.00087; ESP Exome Variant Server 0.00110; TOPMed 0.00119; gnomAD exomes 0.00135 and 0.00171; ExAC 0.00140; 1000 Genomes Project 30x 0.00141; 1000 Genomes Project 0.00180.
gnomAD v4.1: 2,079 of 1,601,658 alleles (0.13%); highest among the groups gnomAD compares: East Asian, 1.1%; 3 homozygotes.

Submissions (5):

CeGaT Center for Human Genetics Tuebingen
Classification: Likely benign. Last evaluated: 2026-08-01. Review status: criteria provided, single submitter. Criteria: CeGaT Center For Human Genetics Tuebingen Variant Classification Criteria Version 2. Collection method: clinical testing. Allele origin: germline. Affected: yes. Observed: 8 variant alleles.
Comment: ATP8A2: BS1

Labcorp Genetics (formerly Invitae), Labcorp
Classification: Benign. Last evaluated: 2025-11-25. Review status: criteria provided, single submitter. Criteria: Invitae Variant Classification Sherloc (09022015). Collection method: clinical testing. Allele origin: germline.

Blueprint Genetics
Classification: Likely benign. Last evaluated: 2024-10-15. Review status: criteria provided, single submitter. Criteria: ACMG Guidelines, 2015. Collection method: clinical testing. Allele origin: germline.

Clinical Genetics DNA and cytogenetics Diagnostics Lab, Erasmus MC, Erasmus Medical Center
Classification: Uncertain significance. Review status: no assertion criteria provided. Collection method: clinical testing. Allele origin: germline. Affected: yes. Study: VKGL Data-share Consensus. Not counted in ClinVar's aggregate classification.

Joint Genome Diagnostic Labs from Nijmegen and Maastricht, Radboudumc and MUMC+
Classification: Uncertain significance. Review status: no assertion criteria provided. Collection method: clinical testing. Allele origin: germline. Affected: yes. Study: VKGL Data-share Consensus. Not counted in ClinVar's aggregate classification.

NM_016529.6(ATP8A2):c.2138T>C (p.Ile713Thr)

Gene: ATP8A2 (ATPase phospholipid transporting 8A2). Cytogenetic location: 13q12.13.
Variant type: single nucleotide variant.
Coding change: c.2138T>C on transcript NM_016529.6 (MANE Select); coding-DNA position 2138, T replaced by C.
Protein change: p.Ile713Thr; replaces isoleucine 713 with threonine.
Molecular consequence: missense variant.
Genome position (GRCh38, 1-based): chr13:25,581,949, T>C. VCF-style: chr13-25581949-T-C. GRCh37 (hg19) VCF-style: chr13-26156087-T-C.
Other names: c.2018T>C, p.Ile673Thr (NM_001313741.1); short protein forms I673T, I713T.
Identifiers: ClinVar variation 1012630 (VCV001012630.49), dbSNP rs142872070, ClinGen allele CA6923189.